The following is an entry in ClinVar:

NM_000552.5(VWF):c.358C>G (p.Leu120Val)

Gene: VWF (von Willebrand factor; minus strand). Cytogenetic location: 12p13.31.
Variant type: single nucleotide variant.
Coding change: c.358C>G on transcript NM_000552.5 (MANE Select); coding-DNA position 358, C replaced by G.
Protein change: p.Leu120Val; replaces leucine 120 with valine.
Molecular consequence: missense variant.
Genome position (GRCh38, 1-based): chr12:6,110,548, G>C on the plus strand (C>G on the coding strand, the complement: VWF is on the minus strand). VCF-style: chr12-6110548-G-C. GRCh37 (hg19) VCF-style: chr12-6219714-G-C.
Other names: short protein forms L120V.
Identifiers: ClinVar variation 4075673 (VCV004075673.2).

ClinVar aggregate classification (germline): Uncertain significance. Review status: criteria provided, multiple submitters, no conflicts (2 of 4 stars). 2 submissions from 2 submitters: Uncertain significance (2). Last evaluated 2025-05-28.

gnomAD v4.1: 12 of 1,614,200 alleles (0.00074%); highest among the groups gnomAD compares: East Asian, 0.022%; no homozygotes.

Submissions (2):

ARUP Laboratories, Molecular Genetics and Genomics, ARUP Laboratories
Classification: Uncertain significance. Last evaluated: 2025-05-28. Review status: criteria provided, single submitter. Criteria: ARUP Molecular Germline Variant Investigation Process 2024. Collection method: clinical testing. Allele origin: germline.
Comment: The VWF c.358C>G; p.Leu120Val variant (rs777585191), to our knowledge, is not reported in the medical literature or gene specific databases. This variant is observed in the East Asian population with an allele frequency of 0.049% (9/18394 alleles) in the Genome Aggregation Database (v2.1.1). Computational analyses predict that this variant is neutral (REVEL: 0.047). Due to limited information, the clinical significance of this variant is uncertain at this time.

GeneDx
Classification: Uncertain significance. Last evaluated: 2025-02-18. Review status: criteria provided, single submitter. Criteria: GeneDx Variant Classification Process June 2021. Collection method: clinical testing. Allele origin: germline. Affected: yes.
Comment: In silico analysis indicates that this missense variant does not alter protein structure/function; Has not been previously published as pathogenic or benign to our knowledge